The following is an entry in ClinVar:

NM_001211.6(BUB1B):c.1990C>T (p.Leu664Phe)

Gene: BUB1B (BUB1 mitotic checkpoint serine/threonine kinase B; plus strand). Cytogenetic location: 15q15.1.
Variant type: single nucleotide variant.
Coding change: c.1990C>T on transcript NM_001211.6 (MANE Select); coding-DNA position 1990, C replaced by T.
Protein change: p.Leu664Phe; replaces leucine 664 with phenylalanine.
Molecular consequence: missense variant.
Genome position (GRCh38, 1-based): chr15:40,206,439, C>T. VCF-style: chr15-40206439-C-T. GRCh37 (hg19) VCF-style: chr15-40498640-C-T.
Other names: short protein forms L664F.
Identifiers: ClinVar variation 2585915 (VCV002585915.3), dbSNP rs768762205, ClinGen allele CA7475912.

ClinVar aggregate classification (germline): Uncertain significance (1 of 4 stars; one submission).

Conditions:
Inborn genetic diseases. Identifiers: MedGen C0950123, MeSH D030342.

Allele frequency attached by ClinVar (database versions not stated): ExAC 0.00002; gnomAD exomes below 0.00001.
gnomAD v4.1: 6 of 1,614,176 alleles (0.00037%); highest among the groups gnomAD compares: South Asian, 0.0022%; 1 homozygote.

Submission:

Ambry Genetics
Classification: Uncertain significance for Inborn genetic diseases. Last evaluated: 2025-10-21. Review status: criteria provided, single submitter. Criteria: Ambry Variant Classification Scheme 2023. Collection method: clinical testing. Allele origin: germline.
Comment: The p.L664F variant (also known as c.1990C>T), located in coding exon 15 of the BUB1B gene, results from a C to T substitution at nucleotide position 1990. The leucine at codon 664 is replaced by phenylalanine, an amino acid with highly similar properties. This amino acid position is conserved. In addition, this alteration is predicted to be tolerated by in silico analysis. Since supporting evidence is limited at this time, the clinical significance of this alteration remains unclear.